The following is an entry in ClinVar:

ClinVar aggregate classification (germline): Likely benign. Review status: criteria provided, multiple submitters, no conflicts (2 of 4 stars). 7 submissions from 7 submitters: Likely benign (7). Last evaluated 2026-01-05.

Conditions:
Familial thoracic aortic aneurysm and aortic dissection (TAAD). Also called: Thoracic aortic aneurysms and dissections. Identifiers: Orphanet 91387, MedGen C4707243, MONDO:0019625.
Ehlers-Danlos syndrome, type 4 (EDSVASC). Also called: Ehlers-Danlos Syndrome Type IV; Ehlers-Danlos syndrome vascular type; Ehlers Danlos syndrome, ecchymotic type; Ehlers Danlos syndrome, arterial type; Ehlers Danlos syndrome, Sack-Barabas type. Identifiers: Orphanet 286, MedGen C0268338, MONDO:0017314, OMIM 130050.

Allele frequency attached by ClinVar (database versions not stated): gnomAD 0.00001; gnomAD exomes 0.00001.
gnomAD v4.1: 18 of 1,613,484 alleles (0.0011%); highest among the groups gnomAD compares: Admixed American, 0.0017%; no homozygotes.

Submissions (7):

Labcorp Genetics (formerly Invitae), Labcorp
Classification: Likely benign for Ehlers-Danlos syndrome, type 4. Last evaluated: 2026-01-05. Review status: criteria provided, single submitter. Criteria: Invitae Variant Classification Sherloc (09022015). Collection method: clinical testing. Allele origin: germline.

Women's Health and Genetics/Laboratory Corporation of America, LabCorp
Classification: Likely benign. Last evaluated: 2025-07-23. Review status: criteria provided, single submitter. Criteria: LabCorp Variant Classification Summary - May 2015. Collection method: clinical testing. Allele origin: germline.

CeGaT Center for Human Genetics Tuebingen
Classification: Likely benign. Last evaluated: 2024-07-01. Review status: criteria provided, single submitter. Criteria: CeGaT Center For Human Genetics Tuebingen Variant Classification Criteria Version 2. Collection method: clinical testing. Allele origin: germline. Affected: yes. Observed: 1 variant allele.
Comment: COL3A1: BP4, BP7

All of Us Research Program, National Institutes of Health
Classification: Likely benign for Ehlers-Danlos syndrome, type 4. Last evaluated: 2023-10-02. Review status: criteria provided, single submitter. Criteria: ACMG Guidelines, 2015. Collection method: clinical testing. Allele origin: germline. Inheritance: Autosomal dominant inheritance. Observed: 3 variant alleles, 3 heterozygotes.
Comment: This study involves interpretation of variants in research participants for the purpose of population health screening. Participant phenotype was not available at the time of variant classification. Additional details can be found in publication PMID: 35346344, PMCID: PMC8962531

Color Diagnostics, LLC DBA Color Health
Classification: Likely benign for Familial thoracic aortic aneurysm and aortic dissection. Last evaluated: 2022-11-06. Review status: criteria provided, single submitter. Criteria: ACMG Guidelines, 2015. Collection method: clinical testing. Allele origin: germline.

Ambry Genetics
Classification: Likely benign for Familial thoracic aortic aneurysm and aortic dissection. Last evaluated: 2021-10-06. Review status: criteria provided, single submitter. Criteria: Ambry Variant Classification Scheme 2023. Collection method: clinical testing. Allele origin: germline.

CHEO Genetics Diagnostic Laboratory, Children's Hospital of Eastern Ontario
Classification: Likely benign for Familial thoracic aortic aneurysm and aortic dissection. Last evaluated: 2017-11-15. Review status: criteria provided, single submitter. Criteria: ACMG Guidelines, 2015. Collection method: clinical testing. Allele origin: germline.

NM_000090.4(COL3A1):c.1437A>G (p.Pro479=)

Gene: COL3A1 (collagen type III alpha 1 chain; plus strand). Cytogenetic location: 2q32.2.
Variant type: single nucleotide variant.
Coding change: c.1437A>G on transcript NM_000090.4 (MANE Select); coding-DNA position 1437, A replaced by G.
Protein change: p.Pro479=; no amino-acid change (proline 479 retained).
Molecular consequence: synonymous variant.
Genome position (GRCh38, 1-based): chr2:188,994,813, A>G. VCF-style: chr2-188994813-A-G. GRCh37 (hg19) VCF-style: chr2-189859539-A-G.
Identifiers: ClinVar variation 915704 (VCV000915704.30), dbSNP rs1001916364, ClinGen allele CA62596115.